The following is an entry in ClinVar:

NM_000733.4(CD3E):c.71G>T (p.Gly24Val)

Gene: CD3E (CD3 epsilon subunit of T-cell receptor complex; plus strand). Cytogenetic location: 11q23.3.
Variant type: single nucleotide variant.
Coding change: c.71G>T on transcript NM_000733.4 (MANE Select); coding-DNA position 71, G replaced by T.
Protein change: p.Gly24Val; replaces glycine 24 with valine.
Molecular consequence: missense variant.
Genome position (GRCh38, 1-based): chr11:118,308,427, G>T. VCF-style: chr11-118308427-G-T. GRCh37 (hg19) VCF-style: chr11-118179142-G-T.
Other names: short protein forms G24V.
Identifiers: ClinVar variation 1946914 (VCV001946914.2), dbSNP rs2496828884, ClinGen allele CA382780762.
Genomic context (GRCh38, chr11:118,308,427, plus strand): 5'-GGTCTGATCTTCATTGCCGATAGAAACATTACTAATGGCTTCTTACTGTTTCCTTTTCAG[G>T]TAATGAAGAAATGGGTAAGAAGATTTCCACTCTATCTAGCAAAAGTTTTCAAATATGGAA-3'
Protein context (NP_000724.1, residues 14-34): LLSVGVWGQD[Gly24Val]NEEMGGITQT

ClinVar aggregate classification (germline): Uncertain significance (1 of 4 stars; one submission).

Conditions:
Immunodeficiency 18 (IMD18). Also called: CD3epsilon deficiency; CD3-EPSILON DEFICIENCY. Identifiers: MedGen C3810127, MONDO:0014278, OMIM 615615.

Submission:

Labcorp Genetics (formerly Invitae), Labcorp
Classification: Uncertain significance for Immunodeficiency 18. Last evaluated: 2022-04-17. Review status: criteria provided, single submitter. Criteria: Invitae Variant Classification Sherloc (09022015). Collection method: clinical testing. Allele origin: germline.
Comment: This sequence change replaces glycine, which is neutral and non-polar, with valine, which is neutral and non-polar, at codon 24 of the CD3E protein (p.Gly24Val). This variant is not present in population databases (gnomAD no frequency). This variant has not been reported in the literature in individuals affected with CD3E-related conditions. Algorithms developed to predict the effect of missense changes on protein structure and function (SIFT, PolyPhen-2, Align-GVGD) all suggest that this variant is likely to be tolerated. Algorithms developed to predict the effect of sequence changes on RNA splicing suggest that this variant may disrupt the consensus splice site. In summary, the available evidence is currently insufficient to determine the role of this variant in disease. Therefore, it has been classified as a Variant of Uncertain Significance.